The following is an entry in ClinVar:

NM_001003800.2(BICD2):c.527G>T (p.Arg176Leu)

Gene: BICD2 (BICD cargo adaptor 2; minus strand). Cytogenetic location: 9q22.31.
Variant type: single nucleotide variant.
Coding change: c.527G>T on transcript NM_001003800.2 (MANE Select); coding-DNA position 527, G replaced by T.
Protein change: p.Arg176Leu; replaces arginine 176 with leucine.
Molecular consequence: missense variant.
Genome position (GRCh38, 1-based): chr9:92,722,735, C>A on the plus strand (G>T on the coding strand, the complement: BICD2 is on the minus strand). VCF-style: chr9-92722735-C-A. GRCh37 (hg19) VCF-style: chr9-95485017-C-A.
Other names: c.527G>T, p.Arg176Leu (NM_015250.4); short protein forms R176L.
Identifiers: ClinVar variation 1046348 (VCV001046348.9), dbSNP rs1207286970, ClinGen allele CA374045643.

ClinVar aggregate classification (germline): Uncertain significance (1 of 4 stars; one submission).

Conditions:
Autosomal dominant childhood-onset proximal spinal muscular atrophy with contractures (SMALED2A). Also called: SPINAL MUSCULAR ATROPHY, LOWER EXTREMITY-PREDOMINANT, 2A, CHILDHOOD ONSET, AUTOSOMAL DOMINANT; Spinal muscular atrophy, lower extremity-predominant, 2A, autosomal dominant. Identifiers: Orphanet 363447, Orphanet 363454, MedGen C4747715, MONDO:0014121, OMIM 615290.

Allele frequency attached by ClinVar (database versions not stated): gnomAD exomes 0.00001; TOPMed 0.00002.
gnomAD v4.1: 5 of 1,614,106 alleles (0.00031%); highest among the groups gnomAD compares: African/African-American, 0.0053%; no homozygotes.

Submission:

Labcorp Genetics (formerly Invitae), Labcorp
Classification: Uncertain significance for Autosomal dominant childhood-onset proximal spinal muscular atrophy with contractures. Last evaluated: 2020-10-29. Review status: criteria provided, single submitter. Criteria: Invitae Variant Classification Sherloc (09022015). Collection method: clinical testing. Allele origin: germline.
Comment: In summary, the available evidence is currently insufficient to determine the role of this variant in disease. Therefore, it has been classified as a Variant of Uncertain Significance. Advanced modeling of protein sequence and biophysical properties (such as structural, functional, and spatial information, amino acid conservation, physicochemical variation, residue mobility, and thermodynamic stability) performed at Invitae indicates that this missense variant is expected to disrupt BICD2 protein function. This variant has not been reported in the literature in individuals with BICD2-related conditions. This variant is not present in population databases (ExAC no frequency). This sequence change replaces arginine with leucine at codon 176 of the BICD2 protein (p.Arg176Leu). The arginine residue is highly conserved and there is a moderate physicochemical difference between arginine and leucine.